The following is an entry in ClinVar:

NM_005996.4(TBX3):c.1422C>T (p.Ala474=)

Gene: TBX3 (T-box transcription factor 3; minus strand). Cytogenetic location: 12q24.21.
Variant type: single nucleotide variant.
Coding change: c.1422C>T on transcript NM_005996.4 (MANE Select); coding-DNA position 1422, C replaced by T.
Protein change: p.Ala474=; no amino-acid change (alanine 474 retained).
Molecular consequence: synonymous variant.
Genome position (GRCh38, 1-based): chr12:114,674,453, G>A on the plus strand (C>T on the coding strand, the complement: TBX3 is on the minus strand). VCF-style: chr12-114674453-G-A. GRCh37 (hg19) VCF-style: chr12-115112258-G-A.
Other names: c.1482C>T, p.Ala494= (NM_016569.4).
Identifiers: ClinVar variation 3351864 (VCV003351864.1).
Genomic context (GRCh38, chr12:114,674,453, plus strand): 5'-GTTGAAGAACTGTTGGCCCGCCAGGCCCGGGGCGAAGCCGAGGCCAGGCAGGGGGCCCTG[G>A]GCCAGGTGCGCGGCGGCCGCGTCCGTCTGCACCGTGAGCGGCGCGAAGGCCTCCTTGCCC-3'
Protein context (NP_005987.3, residues 464-484): VQTDAAAAHL[Ala474=]QGPLPGLGFA

ClinVar aggregate classification (germline): Likely benign (0 of 4 stars; one submission).

Conditions:
TBX3-related disorder. Also called: TBX3-related condition.

gnomAD v4.1: 5 of 1,545,142 alleles (0.00032%); highest among the groups gnomAD compares: Middle Eastern, 0.018%; no homozygotes.

Submission:

PreventionGenetics, part of Exact Sciences
Classification: Likely benign for TBX3-related condition. Last evaluated: 2021-11-30. Review status: no assertion criteria provided. Collection method: clinical testing. Allele origin: germline.
Comment: This variant is classified as likely benign based on ACMG/AMP sequence variant interpretation guidelines (Richards et al. 2015 PMID: 25741868, with internal and published modifications).